The following is an entry in ClinVar:

NM_004370.6(COL12A1):c.2752G>C (p.Asp918His)

Gene: COL12A1 (collagen type XII alpha 1 chain; minus strand). Cytogenetic location: 6q13.
Variant type: single nucleotide variant.
Coding change: c.2752G>C on transcript NM_004370.6 (MANE Select); coding-DNA position 2752, G replaced by C.
Protein change: p.Asp918His; replaces aspartic acid 918 with histidine.
Molecular consequence: missense variant. On other transcripts: intron variant (2).
Genome position (GRCh38, 1-based): chr6:75,165,738, C>G on the plus strand (G>C on the coding strand, the complement: COL12A1 is on the minus strand). VCF-style: chr6-75165738-C-G. GRCh37 (hg19) VCF-style: chr6-75875454-C-G.
Other names: c.2752G>C, p.Asp918His (NM_001424113.1, NM_001424114.1); c.2479G>C, p.Asp827His (NM_001424115.1); c.74-13256G>C (NM_001424116.1, NM_080645.3); short protein forms D827H, D918H.
Identifiers: ClinVar variation 3757036 (VCV003757036.2).

ClinVar aggregate classification (germline): Uncertain significance (1 of 4 stars; one submission).

Conditions:
Ullrich congenital muscular dystrophy 2 (UCMD2). Identifiers: Orphanet 75840, MedGen C4225314, MONDO:0014654, OMIM 616470.
Bethlem myopathy 2 (BTHLM2). Identifiers: Orphanet 536516, Orphanet 610, MedGen C4225313, MONDO:0034022, OMIM 616471.

gnomAD v4.1: 1 of 1,613,808 alleles (0.000062%); highest among the groups gnomAD compares: Non-Finnish European, 0.000085%; no homozygotes.

Submission:

Labcorp Genetics (formerly Invitae), Labcorp
Classification: Uncertain significance for Bethlem myopathy 2; Ullrich congenital muscular dystrophy 2. Last evaluated: 2024-06-28. Review status: criteria provided, single submitter. Criteria: Invitae Variant Classification Sherloc (09022015). Collection method: clinical testing. Allele origin: germline.
Comment: This sequence change replaces aspartic acid, which is acidic and polar, with histidine, which is basic and polar, at codon 918 of the COL12A1 protein (p.Asp918His). This variant is not present in population databases (gnomAD no frequency). This variant has not been reported in the literature in individuals affected with COL12A1-related conditions. Advanced modeling of protein sequence and biophysical properties (such as structural, functional, and spatial information, amino acid conservation, physicochemical variation, residue mobility, and thermodynamic stability) performed at Invitae indicates that this missense variant is not expected to disrupt COL12A1 protein function with a negative predictive value of 80%. In summary, the available evidence is currently insufficient to determine the role of this variant in disease. Therefore, it has been classified as a Variant of Uncertain Significance.